The following is an entry in ClinVar:

NM_001080483.3(MYMK):c.486G>C (p.Ala162=)

Gene: MYMK (myomaker, myoblast fusion factor; minus strand). Cytogenetic location: 9q34.2.
Variant type: single nucleotide variant.
Coding change: c.486G>C on transcript NM_001080483.3 (MANE Select); coding-DNA position 486, G replaced by C.
Protein change: p.Ala162=; no amino-acid change (alanine 162 retained).
Molecular consequence: synonymous variant.
Genome position (GRCh38, 1-based): chr9:133,515,521, C>G on the plus strand (G>C on the coding strand, the complement: MYMK is on the minus strand). VCF-style: chr9-133515521-C-G. GRCh37 (hg19) VCF-style: chr9-136380643-C-G.
Identifiers: ClinVar variation 3239014 (VCV003239014.19), dbSNP rs149445183.

ClinVar aggregate classification (germline): Likely benign (1 of 4 stars; one submission).

Allele frequency attached by ClinVar (database versions not stated): 1000 Genomes Project 0.00040; ESP Exome Variant Server 0.00015; 1000 Genomes Project 30x 0.00031.
gnomAD v4.1: 432 of 1,612,948 alleles (0.027%); highest among the groups gnomAD compares: South Asian, 0.2%; 1 homozygote.

Submission:

CeGaT Center for Human Genetics Tuebingen
Classification: Likely benign. Last evaluated: 2024-05-01. Review status: criteria provided, single submitter. Criteria: CeGaT Center For Human Genetics Tuebingen Variant Classification Criteria Version 2. Collection method: clinical testing. Allele origin: germline. Affected: yes. Observed: 1 variant allele.
Comment: MYMK: BP4, BP7